The following is an entry in ClinVar:

NM_000168.6(GLI3):c.4292C>T (p.Pro1431Leu)

Gene: GLI3 (GLI family zinc finger 3; minus strand). Cytogenetic location: 7p14.1.
Variant type: single nucleotide variant.
Coding change: c.4292C>T on transcript NM_000168.6 (MANE Select); coding-DNA position 4292, C replaced by T.
Protein change: p.Pro1431Leu; replaces proline 1431 with leucine.
Molecular consequence: missense variant.
Genome position (GRCh38, 1-based): chr7:41,964,781, G>A on the plus strand (C>T on the coding strand, the complement: GLI3 is on the minus strand). VCF-style: chr7-41964781-G-A. GRCh37 (hg19) VCF-style: chr7-42004379-G-A.
Other names: short protein forms P1431L.
Identifiers: ClinVar variation 1405645 (VCV001405645.9), dbSNP rs144128064, ClinGen allele CA4230158.
Genomic context (GRCh38, chr7:41,964,781, plus strand): 5'-CTGAAGCCCACGGTTTGGTCATAGAACTGACCAGAGTAATTCTGCAGATTAGAGCACAGC[G>A]GATGGGGCTGCCCTTTCATCTCCATCTTGATACCATTCACCCTGCAGGTCTGACTTGTGT-3'
Protein context (NP_000159.3, residues 1421-1441): IKMEMKGQPH[Pro1431Leu]LCSNLQNYSG

ClinVar aggregate classification (germline): Conflicting classifications of pathogenicity. Review status: criteria provided, conflicting classifications (1 of 4 stars). 4 submissions from 4 submitters: Uncertain significance (2); Likely benign (2). Last evaluated 2026-08-01.

Conditions:
Pallister-Hall syndrome (PHS). Also called: GLI3-Related Pallister-Hall Syndrome; HYPOTHALAMIC HAMARTOBLASTOMA, HYPOPITUITARISM, IMPERFORATE ANUS, AND POSTAXIAL POLYDACTYLY. Identifiers: Orphanet 672, MedGen C0265220, MONDO:0007804, OMIM 146510.
Greig cephalopolysyndactyly syndrome (GCPS). Also called: Greig syndrome; POLYSYNDACTYLY WITH PECULIAR SKULL SHAPE; GLI3-Related Greig Cephalopolysyndactyly Syndrome. Identifiers: Orphanet 380, MedGen C0265306, MONDO:0008287, OMIM 175700.
Polysyndactyly 4. Also called: Polysyndactyly uncomplicated; Preaxial polydactyly 4. Identifiers: Orphanet 93338, MedGen C1868111, MONDO:0008272, OMIM 174700.
Polydactyly, postaxial, type A1. Identifiers: MedGen C4282400, MONDO:0008266, OMIM 174200.

gnomAD v4.1: 13 of 1,613,654 alleles (0.00081%); highest among the groups gnomAD compares: Admixed American, 0.013%; no homozygotes.

Submissions (4):

CeGaT Center for Human Genetics Tuebingen
Classification: Likely benign. Last evaluated: 2026-08-01. Review status: criteria provided, single submitter. Criteria: CeGaT Center For Human Genetics Tuebingen Variant Classification Criteria Version 2. Collection method: clinical testing. Allele origin: germline. Affected: yes. Observed: 1 variant allele.
Comment: GLI3: BP4

Labcorp Genetics (formerly Invitae), Labcorp
Classification: Likely benign for Pallister-Hall syndrome; Greig cephalopolysyndactyly syndrome. Last evaluated: 2023-10-09. Review status: criteria provided, single submitter. Criteria: Invitae Variant Classification Sherloc (09022015). Collection method: clinical testing. Allele origin: germline.

Fulgent Genetics
Classification: Uncertain significance for Pallister-Hall syndrome; Polydactyly, postaxial, type A1; Polysyndactyly 4; Greig cephalopolysyndactyly syndrome. Last evaluated: 2021-12-13. Review status: criteria provided, single submitter. Criteria: ACMG Guidelines, 2015. Collection method: clinical testing. Allele origin: unknown.

GeneDx
Classification: Uncertain significance. Last evaluated: 2021-11-30. Review status: criteria provided, single submitter. Criteria: GeneDx Variant Classification Process June 2021. Collection method: clinical testing. Allele origin: germline. Affected: yes.
Comment: Has not been previously published as pathogenic or benign to our knowledge; In silico analysis supports that this missense variant has a deleterious effect on protein structure/function